The following is an entry in ClinVar:

ClinVar aggregate classification (germline): Uncertain significance (1 of 4 stars; one submission).

Conditions:
Primary ciliary dyskinesia. Also called: Ciliary dyskinesia. Identifiers: Orphanet 244, MedGen C0008780, MONDO:0016575, HP:0012265.

Submission:

Labcorp Genetics (formerly Invitae), Labcorp
Classification: Uncertain significance for Primary ciliary dyskinesia. Last evaluated: 2019-01-04. Review status: criteria provided, single submitter. Criteria: Invitae Variant Classification Sherloc (09022015). Collection method: clinical testing. Allele origin: germline.
Comment: This variant results in a copy number gain of the genomic region encompassing exons 14-18 of the CCDC40 gene. While the exact position of this variant cannot be determined from this data, sub-genic copy number gains are generally in tandem (PMID: 25640679). This variant would be expected to be in-frame, preserving the integrity of the reading frame. Experimental studies and prediction algorithms are not available for this variant, and the functional significance of the affected amino acid(s) is currently unknown. In summary, the available evidence is currently insufficient to determine the role of this variant in disease. Therefore, it has been classified as a Variant of Uncertain Significance.

NC_000017.11:g.(?_80085983)_(80095471_?)dup

Gene: CCDC40 (coiled-coil domain 40 molecular ruler complex subunit; plus strand). Cytogenetic location: 17q25.3.
Variant type: Duplication.
Identifiers: ClinVar variation 830822 (VCV000830822.1).